The following is an entry in ClinVar:

NM_004977.3(KCNC3):c.1991A>G (p.Asn664Ser)

Gene: KCNC3 (potassium voltage-gated channel subfamily C member 3; minus strand). Cytogenetic location: 19q13.33.
Variant type: single nucleotide variant.
Coding change: c.1991A>G on transcript NM_004977.3 (MANE Select); coding-DNA position 1991, A replaced by G.
Protein change: p.Asn664Ser; replaces asparagine 664 with serine.
Molecular consequence: missense variant. On other transcripts: non-coding transcript variant (1).
Genome position (GRCh38, 1-based): chr19:50,320,772, T>C on the plus strand (A>G on the coding strand, the complement: KCNC3 is on the minus strand). VCF-style: chr19-50320772-T-C. GRCh37 (hg19) VCF-style: chr19-50824029-T-C.
Other names: c.1763A>G, p.Asn588Ser (NM_001372305.1); short protein forms N588S, N664S.
Identifiers: ClinVar variation 995164 (VCV000995164.10), dbSNP rs199833067, ClinGen allele CA9594134.

ClinVar aggregate classification (germline): Conflicting classifications of pathogenicity. Review status: criteria provided, conflicting classifications (1 of 4 stars). 2 submissions from 2 submitters: Uncertain significance (1); Likely benign (1). Last evaluated 2024-06-08.

Allele frequency attached by ClinVar (database versions not stated): TOPMed 0.00008; gnomAD exomes 0.00009; ExAC 0.00011; gnomAD 0.00011; 1000 Genomes Project 30x 0.00016; 1000 Genomes Project 0.00020.

Submissions (2):

Labcorp Genetics (formerly Invitae), Labcorp
Classification: Uncertain significance. Last evaluated: 2024-06-08. Review status: criteria provided, single submitter. Criteria: Invitae Variant Classification Sherloc (09022015). Collection method: clinical testing. Allele origin: germline.
Comment: This sequence change replaces asparagine, which is neutral and polar, with serine, which is neutral and polar, at codon 664 of the KCNC3 protein (p.Asn664Ser). This variant is present in population databases (rs199833067, gnomAD 0.02%), and has an allele count higher than expected for a pathogenic variant. This variant has not been reported in the literature in individuals affected with KCNC3-related conditions. ClinVar contains an entry for this variant (Variation ID: 995164). Advanced modeling of protein sequence and biophysical properties (such as structural, functional, and spatial information, amino acid conservation, physicochemical variation, residue mobility, and thermodynamic stability) performed at Invitae indicates that this missense variant is expected to disrupt KCNC3 protein function with a positive predictive value of 95%. In summary, the available evidence is currently insufficient to determine the role of this variant in disease. Therefore, it has been classified as a Variant of Uncertain Significance.

Athena Diagnostics
Classification: Likely benign. Last evaluated: 2023-11-15. Review status: criteria provided, single submitter. Criteria: Athena Diagnostics Criteria. Collection method: clinical testing. Allele origin: unknown.

Literature cited by the submitters: PubMed 30257206 (cited by Athena Diagnostics).